The following is an entry in ClinVar:

NM_005751.5(AKAP9):c.10389C>A (p.Asn3463Lys)

Gene: AKAP9 (A-kinase anchoring protein 9; plus strand). Cytogenetic location: 7q21.2.
Variant type: single nucleotide variant.
Coding change: c.10389C>A on transcript NM_005751.5 (MANE Select); coding-DNA position 10389, C replaced by A.
Protein change: p.Asn3463Lys; replaces asparagine 3463 with lysine.
Molecular consequence: missense variant.
Genome position (GRCh38, 1-based): chr7:92,097,348, C>A. VCF-style: chr7-92097348-C-A. GRCh37 (hg19) VCF-style: chr7-91726662-C-A.
Other names: c.5034C>A, p.Asn1678Lys (NM_001379277.1); c.10365C>A, p.Asn3455Lys (NM_147185.3); short protein forms N1678K, N3455K, N3463K.
Identifiers: ClinVar variation 1986567 (VCV001986567.4), dbSNP rs998727264, ClinGen allele CA161897255.
Genomic context (GRCh38, chr7:92,097,348, plus strand): 5'-CCAGAAGCAAGAACTAGAACGAGAAGAAAAACGAGAAAGTAGAAGAATTCTGTATCAGAA[C>A]CTTAATGAGGTAAACTGACAGTTTCTTTTTAGATATTTTTAAGGAAAGCACTGCAGCCCT-3'
Protein context (NP_005742.4, residues 3453-3473): KRESRRILYQ[Asn3463Lys]LNEPTTWSLT

ClinVar aggregate classification (germline): Uncertain significance (1 of 4 stars; one submission).

Conditions:
Long QT syndrome (LQTS). Identifiers: MedGen C0023976, MeSH D008133, MONDO:0002442. Disease mechanism: loss of function. Inheritance: Various modes of inheritance.

Allele frequency attached by ClinVar (database versions not stated): gnomAD exomes 0.00001.
gnomAD v4.1: 9 of 1,613,064 alleles (0.00056%); highest among the groups gnomAD compares: Non-Finnish European, 0.00068%; no homozygotes.

Submission:

Labcorp Genetics (formerly Invitae), Labcorp
Classification: Uncertain significance for Long QT syndrome. Last evaluated: 2022-04-29. Review status: criteria provided, single submitter. Criteria: Invitae Variant Classification Sherloc (09022015). Collection method: clinical testing. Allele origin: germline.
Comment: In summary, the available evidence is currently insufficient to determine the role of this variant in disease. Therefore, it has been classified as a Variant of Uncertain Significance. Algorithms developed to predict the effect of missense changes on protein structure and function are either unavailable or do not agree on the potential impact of this missense change (SIFT: "Tolerated"; PolyPhen-2: "Probably Damaging"; Align-GVGD: "Class C0"). This variant has not been reported in the literature in individuals affected with AKAP9-related conditions. This variant is not present in population databases (gnomAD no frequency). This sequence change replaces asparagine, which is neutral and polar, with lysine, which is basic and polar, at codon 3463 of the AKAP9 protein (p.Asn3463Lys).